The following is an entry in ClinVar:

NM_173689.7(CRB2):c.2383G>A (p.Gly795Ser)

Gene: CRB2 (crumbs cell polarity complex component 2; plus strand). Cytogenetic location: 9q33.3.
Variant type: single nucleotide variant.
Coding change: c.2383G>A on transcript NM_173689.7 (MANE Select); coding-DNA position 2383, G replaced by A.
Protein change: p.Gly795Ser; replaces glycine 795 with serine.
Molecular consequence: missense variant. On other transcripts: non-coding transcript variant (1).
Genome position (GRCh38, 1-based): chr9:123,371,525, G>A. VCF-style: chr9-123371525-G-A. GRCh37 (hg19) VCF-style: chr9-126133804-G-A.
Other names: c.2383G>A (NM_173689.6); short protein forms G795S.
Identifiers: ClinVar variation 2516001 (VCV002516001.3), dbSNP rs141610287, ClinGen allele CA5232189.
Genomic context (GRCh38, chr9:123,371,525, plus strand): 5'-TGCCACCTCCCCTTCTTTCCTCTGCCACTGGATAACTCAAGCCAGCCCAGCGAGCTCGGC[G>A]GCAGGCAGTCCTGGAACCTCACTGCGGGCTGCGTCTCCGAGGACATGTGCAGTGTAAGTG-3'
Protein context (NP_775960.4, residues 785-805): DNSSQPSELG[Gly795Ser]RQSWNLTAGC

ClinVar aggregate classification (germline): Conflicting classifications of pathogenicity. Review status: criteria provided, conflicting classifications (1 of 4 stars). 2 submissions from 2 submitters: Uncertain significance (1); Likely benign (1). Last evaluated 2024-04-01.

Conditions:
Inborn genetic diseases. Identifiers: MedGen C0950123, MeSH D030342.

Allele frequency attached by ClinVar (database versions not stated): ExAC 0.00003; gnomAD 0.00003; gnomAD exomes 0.00003; TOPMed 0.00005; ESP Exome Variant Server 0.00008.
gnomAD v4.1: 46 of 1,613,060 alleles (0.0029%); highest among the groups gnomAD compares: Middle Eastern, 0.016%; 1 homozygote.

Submissions (2):

GeneDx
Classification: Uncertain significance. Last evaluated: 2024-04-01. Review status: criteria provided, single submitter. Criteria: GeneDx Variant Classification Process June 2021. Collection method: clinical testing. Allele origin: germline. Affected: yes.
Comment: In silico analysis supports that this missense variant does not alter protein structure/function; Has not been previously published as pathogenic or benign to our knowledge

Ambry Genetics
Classification: Likely benign for Inborn genetic diseases. Last evaluated: 2023-04-20. Review status: criteria provided, single submitter. Criteria: Ambry Variant Classification Scheme 2023. Collection method: clinical testing. Allele origin: germline.